The following is an entry in ClinVar:

ClinVar aggregate classification (germline): Uncertain significance (1 of 4 stars; one submission).

Conditions:
Perlman syndrome (PRLMNS). Identifiers: Orphanet 2849, MedGen C0796113, MONDO:0009965, OMIM 267000.

Allele frequency attached by ClinVar (database versions not stated): gnomAD 0.00001; ExAC 0.00003.
gnomAD v4.1: 26 of 1,607,534 alleles (0.0016%); highest among the groups gnomAD compares: Middle Eastern, 0.017%; 1 homozygote.

Submission:

Labcorp Genetics (formerly Invitae), Labcorp
Classification: Uncertain significance for Perlman syndrome. Last evaluated: 2025-10-06. Review status: criteria provided, single submitter. Criteria: Invitae Variant Classification Sherloc (09022015). Collection method: clinical testing. Allele origin: germline.
Comment: This sequence change replaces glycine, which is neutral and non-polar, with serine, which is neutral and polar, at codon 877 of the DIS3L2 protein (p.Gly877Ser). This variant is present in population databases (rs765768186, gnomAD 0.002%). This variant has not been reported in the literature in individuals affected with DIS3L2-related conditions. ClinVar contains an entry for this variant (Variation ID: 851687). An algorithm developed to predict the effect of missense changes on protein structure and function outputs the following: PolyPhen-2: "Not Available". The serine amino acid residue is found in multiple mammalian species, which suggests that this missense change does not adversely affect protein function. In summary, the available evidence is currently insufficient to determine the role of this variant in disease. Therefore, it has been classified as a Variant of Uncertain Significance.

NM_152383.5(DIS3L2):c.2629G>A (p.Gly877Ser)

Gene: DIS3L2 (DIS3 like 3'-5' exoribonuclease 2; plus strand). Cytogenetic location: 2q37.1.
Variant type: single nucleotide variant.
Coding change: c.2629G>A on transcript NM_152383.5 (MANE Select); coding-DNA position 2629, G replaced by A.
Protein change: p.Gly877Ser; replaces glycine 877 with serine.
Molecular consequence: missense variant. On other transcripts: non-coding transcript variant (2), intron variant (1).
Genome position (GRCh38, 1-based): chr2:232,336,601, G>A. VCF-style: chr2-232336601-G-A. GRCh37 (hg19) VCF-style: chr2-233201311-G-A.
Other names: c.1582-6744G>A (NM_001257281.2); short protein forms G877S.
Identifiers: ClinVar variation 851687 (VCV000851687.9), dbSNP rs765768186, ClinGen allele CA2164641.
Genomic context (GRCh38, chr2:232,336,601, plus strand): 5'-CTGAAGCGGCCAGGCACCCAGGGCCACCTGGGCCCTGAGAAGGAGGAGGAGGAGTCTGAC[G>A]GTGAGCCCGAGGACTCAAGCACCAGCTGAGCTCCACCAGCCGCCTGCCCCGCCTGCCCCG-3'
Protein context (NP_689596.4, residues 867-885): GPEKEEEESD[Gly877Ser]EPEDSSTS